The following is an entry in ClinVar:

ClinVar aggregate classification (germline): Uncertain significance (1 of 4 stars; one submission).

Submission:

GeneDx
Classification: Uncertain significance. Last evaluated: 2023-12-20. Review status: criteria provided, single submitter. Criteria: GeneDx Variant Classification Process June 2021. Collection method: clinical testing. Allele origin: germline. Affected: yes.
Comment: Not observed at significant frequency in large population cohorts (gnomAD); In silico analysis supports that this missense variant has a deleterious effect on protein structure/function; Has not been previously published as pathogenic or benign to our knowledge

NM_001457.4(FLNB):c.4739A>C (p.Tyr1580Ser)

Gene: FLNB (filamin B; plus strand). Cytogenetic location: 3p14.3.
Variant type: single nucleotide variant.
Coding change: c.4739A>C on transcript NM_001457.4 (MANE Select); coding-DNA position 4739, A replaced by C.
Protein change: p.Tyr1580Ser; replaces tyrosine 1580 with serine.
Molecular consequence: missense variant.
Genome position (GRCh38, 1-based): chr3:58,136,046, A>C. VCF-style: chr3-58136046-A-C. GRCh37 (hg19) VCF-style: chr3-58121773-A-C.
Other names: c.4832A>C, p.Tyr1611Ser (NM_001164317.2); c.4739A>C, p.Tyr1580Ser (NM_001164318.2, NM_001164319.2); short protein forms Y1580S, Y1611S.
Identifiers: ClinVar variation 3365899 (VCV003365899.1).
Genomic context (GRCh38, chr3:58,136,046, plus strand): 5'-AAGGAAAACCCAAAAGAGCCATTGTCCATGACAATAAAGATGGCACGTATGCTGTCACCT[A>C]CATCCCCGACAAGACTGGGCGCTATATGATTGGAGTCACCTACGGGGGTGACGACATCCC-3'
Protein context (NP_001448.2, residues 1570-1590): DNKDGTYAVT[Tyr1580Ser]IPDKTGRYMI